The following is an entry in ClinVar:

ClinVar aggregate classification (germline): Uncertain significance. Review status: criteria provided, multiple submitters, no conflicts (2 of 4 stars). 2 submissions from 2 submitters: Uncertain significance (2). Last evaluated 2025-06-03.

Conditions:
SCNN1B-related disorder. Also called: SCNN1B-related condition.
Inborn genetic diseases. Identifiers: MedGen C0950123, MeSH D030342.

Allele frequency attached by ClinVar (database versions not stated): gnomAD 0.00002; ExAC 0.00003; TOPMed 0.00004; gnomAD exomes 0.00005; ESP Exome Variant Server 0.00008.
gnomAD v4.1: 85 of 1,613,952 alleles (0.0053%); highest among the groups gnomAD compares: South Asian, 0.0066%; no homozygotes.

Submissions (2):

Ambry Genetics
Classification: Uncertain significance for Inborn genetic diseases. Last evaluated: 2025-06-03. Review status: criteria provided, single submitter. Criteria: Ambry Variant Classification Scheme 2023. Collection method: clinical testing. Allele origin: germline.

PreventionGenetics, part of Exact Sciences
Classification: Uncertain significance for SCNN1B-related condition. Last evaluated: 2025-04-13. Review status: criteria provided, single submitter. Criteria: ACMG Guidelines, 2015. Collection method: clinical testing. Allele origin: germline.
Comment: The SCNN1B c.754G>A variant is predicted to result in the amino acid substitution p.Gly252Arg. To our knowledge, this variant has not been reported in the literature. This variant is reported in 0.0062% of alleles in individuals of European (Non-Finnish) descent in gnomAD. At this time, the clinical significance of this variant is uncertain due to the absence of conclusive functional and genetic evidence.

NM_000336.3(SCNN1B):c.754G>A (p.Gly252Arg)

Gene: SCNN1B (sodium channel epithelial 1 subunit beta; plus strand). Cytogenetic location: 16p12.2.
Variant type: single nucleotide variant.
Coding change: c.754G>A on transcript NM_000336.3 (MANE Select); coding-DNA position 754, G replaced by A.
Protein change: p.Gly252Arg; replaces glycine 252 with arginine.
Molecular consequence: missense variant.
Genome position (GRCh38, 1-based): chr16:23,355,467, G>A. VCF-style: chr16-23355467-G-A. GRCh37 (hg19) VCF-style: chr16-23366788-G-A.
Other names: c.754G>A, p.Gly252Arg (NM_001410900.1); short protein forms G252R.
Identifiers: ClinVar variation 2522606 (VCV002522606.4), dbSNP rs373232226, ClinGen allele CA7960228.